The following is an entry in ClinVar:

NM_002471.4(MYH6):c.1523A>T (p.Glu508Val)

Gene: MYH6 (myosin heavy chain 6; minus strand). Cytogenetic location: 14q11.2.
Variant type: single nucleotide variant.
Coding change: c.1523A>T on transcript NM_002471.4 (MANE Select); coding-DNA position 1523, A replaced by T.
Protein change: p.Glu508Val; replaces glutamic acid 508 with valine.
Molecular consequence: missense variant.
Genome position (GRCh38, 1-based): chr14:23,400,314, T>A on the plus strand (A>T on the coding strand, the complement: MYH6 is on the minus strand). VCF-style: chr14-23400314-T-A. GRCh37 (hg19) VCF-style: chr14-23869523-T-A.
Other names: short protein forms E508V.
Identifiers: ClinVar variation 1023294 (VCV001023294.9), dbSNP rs1017557276, ClinGen allele CA257793315.

ClinVar aggregate classification (germline): Uncertain significance. Review status: criteria provided, multiple submitters, no conflicts (2 of 4 stars). 2 submissions from 2 submitters: Uncertain significance (2). Last evaluated 2025-02-18.

Conditions:
Hypertrophic cardiomyopathy 14. Identifiers: MedGen C2750467, MONDO:0013197, OMIM 613251.
Hypertrophic cardiomyopathy 1 (CMH1). Also called: MYH7-Related Familial Hypertrophic Cardiomyopathy; Familial hypertrophic cardiomyopathy 1. Identifiers: MedGen C3495498, MONDO:0008647, OMIM 192600.
Atrial septal defect 3 (ASD3). Identifiers: Orphanet 1478, MedGen C3279790, MONDO:0013567, OMIM 614089.
Dilated cardiomyopathy 1EE (CMD1EE). Identifiers: Orphanet 154, MedGen C2750466, MONDO:0013198, OMIM 613252.
Sick sinus syndrome 3, susceptibility to (SSS3). Identifiers: Orphanet 166282, MedGen C3279791, MONDO:0013568, OMIM 614090.

Allele frequency attached by ClinVar (database versions not stated): gnomAD exomes below 0.00001; TOPMed below 0.00001; gnomAD 0.00001.
gnomAD v4.1: 5 of 1,614,072 alleles (0.00031%); highest among the groups gnomAD compares: African/African-American, 0.0067%; no homozygotes.

Submissions (2):

Labcorp Genetics (formerly Invitae), Labcorp
Classification: Uncertain significance for Hypertrophic cardiomyopathy 14. Last evaluated: 2025-02-18. Review status: criteria provided, single submitter. Criteria: Invitae Variant Classification Sherloc (09022015). Collection method: clinical testing. Allele origin: germline.
Comment: This sequence change replaces glutamic acid, which is acidic and polar, with valine, which is neutral and non-polar, at codon 508 of the MYH6 protein (p.Glu508Val). This variant is present in population databases (no rsID available, gnomAD 0.01%). This variant has not been reported in the literature in individuals affected with MYH6-related conditions. ClinVar contains an entry for this variant (Variation ID: 1023294). Invitae Evidence Modeling of protein sequence and biophysical properties (such as structural, functional, and spatial information, amino acid conservation, physicochemical variation, residue mobility, and thermodynamic stability) indicates that this missense variant is expected to disrupt MYH6 protein function with a positive predictive value of 80%. In summary, the available evidence is currently insufficient to determine the role of this variant in disease. Therefore, it has been classified as a Variant of Uncertain Significance.

Fulgent Genetics
Classification: Uncertain significance for Hypertrophic cardiomyopathy 1; Hypertrophic cardiomyopathy 14; Dilated cardiomyopathy 1EE; Atrial septal defect 3; Sick sinus syndrome 3, susceptibility to. Last evaluated: 2021-09-29. Review status: criteria provided, single submitter. Criteria: ACMG Guidelines, 2015. Collection method: clinical testing. Allele origin: unknown.